The following is an entry in ClinVar:

NM_001379291.1(BRD4):c.1214C>A (p.Ser405Tyr)

Gene: BRD4 (bromodomain containing 4; minus strand). Cytogenetic location: 19p13.12.
Variant type: single nucleotide variant.
Coding change: c.1214C>A on transcript NM_001379291.1 (MANE Select); coding-DNA position 1214, C replaced by A.
Protein change: p.Ser405Tyr; replaces serine 405 with tyrosine.
Molecular consequence: missense variant.
Genome position (GRCh38, 1-based): chr19:15,263,547, G>T on the plus strand (C>A on the coding strand, the complement: BRD4 is on the minus strand). VCF-style: chr19-15263547-G-T. GRCh37 (hg19) VCF-style: chr19-15374358-G-T.
Other names: c.1214C>A, p.Ser405Tyr (NM_001330384.2, NM_001379292.1, NM_014299.3 and 1 more transcripts); short protein forms S405Y.
Identifiers: ClinVar variation 2716479 (VCV002716479.3), dbSNP rs200180943, ClinGen allele CA305774306.

ClinVar aggregate classification (germline): Uncertain significance (1 of 4 stars; one submission).

Allele frequency attached by ClinVar (database versions not stated): gnomAD 0.00002; TOPMed 0.00002.
gnomAD v4.1: 7 of 1,614,070 alleles (0.00043%); highest among the groups gnomAD compares: African/African-American, 0.0027%; no homozygotes.

Submission:

Labcorp Genetics (formerly Invitae), Labcorp
Classification: Uncertain significance. Last evaluated: 2022-12-22. Review status: criteria provided, single submitter. Criteria: Invitae Variant Classification Sherloc (09022015). Collection method: clinical testing. Allele origin: germline.
Comment: This variant has not been reported in the literature in individuals affected with BRD4-related conditions. This variant is present in population databases (rs200180943, gnomAD 0.002%). This sequence change replaces serine, which is neutral and polar, with tyrosine, which is neutral and polar, at codon 405 of the BRD4 protein (p.Ser405Tyr). Algorithms developed to predict the effect of missense changes on protein structure and function (SIFT, PolyPhen-2, Align-GVGD) all suggest that this variant is likely to be disruptive. In summary, the available evidence is currently insufficient to determine the role of this variant in disease. Therefore, it has been classified as a Variant of Uncertain Significance.